The following is an entry in ClinVar:

ClinVar aggregate classification (germline): Uncertain significance (1 of 4 stars; one submission).

Submission:

Labcorp Genetics (formerly Invitae), Labcorp
Classification: Uncertain significance. Last evaluated: 2024-04-16. Review status: criteria provided, single submitter. Criteria: Invitae Variant Classification Sherloc (09022015). Collection method: clinical testing. Allele origin: germline.
Comment: This sequence change affects codon 360 of the PHEX mRNA. It is a 'silent' change, meaning that it does not change the encoded amino acid sequence of the PHEX protein. It affects a nucleotide within the consensus splice site. This variant is not present in population databases (gnomAD no frequency). This variant has not been reported in the literature in individuals affected with PHEX-related conditions. Algorithms developed to predict the effect of sequence changes on RNA splicing suggest that this variant is not likely to affect RNA splicing. In summary, the available evidence is currently insufficient to determine the role of this variant in disease. Therefore, it has been classified as a Variant of Uncertain Significance.

NM_000444.6(PHEX):c.1080G>A (p.Lys360=)

Gene: PHEX (phosphate regulating endopeptidase X-linked; plus strand). Cytogenetic location: Xp22.11.
Variant type: single nucleotide variant.
Coding change: c.1080G>A on transcript NM_000444.6 (MANE Select); coding-DNA position 1080, G replaced by A.
Protein change: p.Lys360=; no amino-acid change (lysine 360 retained).
Molecular consequence: synonymous variant.
Genome position (GRCh38, 1-based): chrX:22,111,467, G>A. VCF-style: chrX-22111467-G-A. GRCh37 (hg19) VCF-style: chrX-22129585-G-A.
Other names: c.1080G>A, p.Lys360= (NM_001282754.2).
Identifiers: ClinVar variation 3649973 (VCV003649973.2).
Genomic context (GRCh38, chrX:22,111,467, plus strand): 5'-CTGCAGAGCATCAGATATTGACCTAAAATACAATAAATGGGCATCTCTCTCTGTTAACAG[G>A]ACCATTGCCAACTATTTGGTGTGGAGAATGGTTTATTCCAGAATTCCAAACCTTAGCAGG-3'
Protein context (NP_000435.3, residues 350-370): LFRILGSERK[Lys360=]TIANYLVWRM